The following is an entry in ClinVar:

ClinVar aggregate classification (germline): Pathogenic (1 of 4 stars; one submission).

Submission:

Labcorp Genetics (formerly Invitae), Labcorp
Classification: Pathogenic. Last evaluated: 2025-11-18. Review status: criteria provided, single submitter. Criteria: Invitae Variant Classification Sherloc (09022015). Collection method: clinical testing. Allele origin: germline.
Comment: This sequence change creates a premature translational stop signal (p.His775Glnfs*4) in the CENPJ gene. It is expected to result in an absent or disrupted protein product. Loss-of-function variants in CENPJ are known to be pathogenic (PMID: 15793586, 16900296, 20522431). This variant is present in population databases (rs753229951, gnomAD 0.002%). This variant has not been reported in the literature in individuals affected with CENPJ-related conditions. For these reasons, this variant has been classified as Pathogenic.

Literature cited by the submitters: PubMed 15793586; PubMed 16900296; PubMed 20522431.

NM_018451.5(CPAP):c.2325_2326del (p.His775fs)

Gene: CPAP (centrosome assembly and centriole elongation protein; minus strand). Cytogenetic location: 13q12.13.
Variant type: Deletion.
Coding change: c.2325_2326del on transcript NM_018451.5 (MANE Select); coding-DNA positions 2325 to 2326, 2 bases deleted (TA; older notation c.2325_2326delTA).
Protein change: p.His775fs; shifts the reading frame from histidine 775.
Molecular consequence: frameshift variant. On other transcripts: non-coding transcript variant (2).
Genome position (GRCh38, 1-based): chr13:24,905,712-24,905,713, TA deleted on the plus strand (TA on the coding strand, the reverse complement: CPAP is on the minus strand); deleting any 2 consecutive bases within chr13:24,905,712-24,905,714 gives the same sequence; the c. name uses the placement nearest the transcript's 3' end. VCF-style (leftmost placement, unchanged base first): chr13-24905711-TTA-T. GRCh37 (hg19) VCF-style: chr13-25479849-TTA-T.
Other names: short protein forms H775fs.
Identifiers: ClinVar variation 4695175 (VCV004695175.1), dbSNP rs753229951.